The following is an entry in ClinVar:

ClinVar aggregate classification (germline): Uncertain significance (1 of 4 stars; one submission).

Conditions:
Inborn genetic diseases. Identifiers: MedGen C0950123, MeSH D030342.

Submission:

Ambry Genetics
Classification: Uncertain significance for Inborn genetic diseases. Last evaluated: 2025-10-03. Review status: criteria provided, single submitter. Criteria: Ambry Variant Classification Scheme 2023. Collection method: clinical testing. Allele origin: germline.
Comment: The p.K1503M variant (also known as c.4508A>T), located in coding exon 1 of the SAMD9 gene, results from an A to T substitution at nucleotide position 4508. The lysine at codon 1503 is replaced by methionine, an amino acid with similar properties. This amino acid position is conserved. In addition, this alteration is predicted to be tolerated by in silico analysis. Based on the available evidence, the clinical significance of this variant remains unclear.

NM_017654.4(SAMD9):c.4508A>T (p.Lys1503Met)

Gene: SAMD9 (sterile alpha motif domain containing 9; minus strand). Cytogenetic location: 7q21.2.
Variant type: single nucleotide variant.
Coding change: c.4508A>T on transcript NM_017654.4 (MANE Select); coding-DNA position 4508, A replaced by T.
Protein change: p.Lys1503Met; replaces lysine 1503 with methionine.
Molecular consequence: missense variant.
Genome position (GRCh38, 1-based): chr7:93,101,590, T>A on the plus strand (A>T on the coding strand, the complement: SAMD9 is on the minus strand). VCF-style: chr7-93101590-T-A. GRCh37 (hg19) VCF-style: chr7-92730903-T-A.
Other names: c.4508A>T, p.Lys1503Met (NM_001193307.2); short protein forms K1503M.
Identifiers: ClinVar variation 4629846 (VCV004629846.1).